The following is an entry in ClinVar:

ClinVar aggregate classification (germline): Pathogenic (1 of 4 stars; one submission).

Submission:

Labcorp Genetics (formerly Invitae), Labcorp
Classification: Pathogenic. Last evaluated: 2024-08-27. Review status: criteria provided, single submitter. Criteria: Invitae Variant Classification Sherloc (09022015). Collection method: clinical testing. Allele origin: germline.
Comment: This sequence change creates a premature translational stop signal (p.Asn330Lysfs*23) in the POLG2 gene. It is expected to result in an absent or disrupted protein product. Loss-of-function variants in POLG2 are known to be pathogenic (PMID: 28078310, 29625556). This variant is present in population databases (rs782500550, gnomAD 0.008%). This variant has not been reported in the literature in individuals affected with POLG2-related conditions. For these reasons, this variant has been classified as Pathogenic.

Literature cited by the submitters: PubMed 28078310; PubMed 29625556.

NM_007215.4(POLG2):c.989dup (p.Asn330fs)

Genes: MILR1 (mast cell immunoglobulin like receptor 1; plus strand), POLG2 (DNA polymerase gamma 2, accessory subunit; minus strand). Cytogenetic location: 17q23.3.
Variant type: Duplication.
Coding change: c.989dup on transcript NM_007215.4 (MANE Select); coding-DNA position 989, one base duplicated (A; older notation c.989dupA).
Protein change: p.Asn330fs; shifts the reading frame from asparagine 330.
Molecular consequence: frameshift variant.
Genome position (GRCh38, 1-based): chr17:64,485,849, T duplicated on the plus strand (A on the coding strand, the reverse complement: POLG2 is on the minus strand); the first of 6 consecutive T bases (chr17:64,485,849-64,485,854); duplicating any one gives the same sequence. VCF-style (leftmost placement, unchanged base first): chr17-64485848-A-AT. GRCh37 (hg19) VCF-style: chr17-62481965-A-AT.
Other names: short protein forms N330fs.
Identifiers: ClinVar variation 3607303 (VCV003607303.2).